The following is an entry in ClinVar:

NM_002336.3(LRP6):c.1303A>G (p.Thr435Ala)

Gene: LRP6 (LDL receptor related protein 6; minus strand). Cytogenetic location: 12p13.2.
Variant type: single nucleotide variant.
Coding change: c.1303A>G on transcript NM_002336.3 (MANE Select); coding-DNA position 1303, A replaced by G.
Protein change: p.Thr435Ala; replaces threonine 435 with alanine.
Molecular consequence: missense variant. On other transcripts: non-coding transcript variant (1).
Genome position (GRCh38, 1-based): chr12:12,181,113, T>C on the plus strand (A>G on the coding strand, the complement: LRP6 is on the minus strand). VCF-style: chr12-12181113-T-C. GRCh37 (hg19) VCF-style: chr12-12334047-T-C.
Other names: c.1303A>G, p.Thr435Ala (NM_001414244.1, NM_001414245.1, NM_001414246.1 and 5 more transcripts); c.1105A>G, p.Thr369Ala (NM_001414247.1); c.850A>G, p.Thr284Ala (NM_001414252.1, NM_001414253.1, NM_001414254.1); short protein forms T369A, T284A, T435A.
Identifiers: ClinVar variation 4743910 (VCV004743910.1).
Genomic context (GRCh38, chr12:12,181,113, plus strand): 5'-GATCTAACACAATAGCCCGGGGTTCCTCTAAGTCCTCTGAAATCAAGATCTTCCTCATGG[T>C]CCCATTGAGCCTTGTCACTTCTATTCGATCAGTGCCAGTGTCTGTCCAATAAAGATTTCG-3'
Protein context (NP_002327.2, residues 425-445): DRIEVTRLNG[Thr435Ala]MRKILISEDL

ClinVar aggregate classification (germline): Uncertain significance (1 of 4 stars; one submission).

gnomAD v4.1: 1 of 1,613,980 alleles (0.000062%); highest among the groups gnomAD compares: East Asian, 0.0022%; no homozygotes.

Submission:

Labcorp Genetics (formerly Invitae), Labcorp
Classification: Uncertain significance. Last evaluated: 2025-12-14. Review status: criteria provided, single submitter. Criteria: Invitae Variant Classification Sherloc (09022015). Collection method: clinical testing. Allele origin: germline.
Comment: This sequence change replaces threonine, which is neutral and polar, with alanine, which is neutral and non-polar, at codon 435 of the LRP6 protein (p.Thr435Ala). This variant is not present in population databases (gnomAD no frequency). This variant has not been reported in the literature in individuals affected with LRP6-related conditions. Invitae Evidence Modeling of protein sequence and biophysical properties (such as structural, functional, and spatial information, amino acid conservation, physicochemical variation, residue mobility, and thermodynamic stability) indicates that this missense variant is not expected to disrupt LRP6 protein function with a negative predictive value of 80%. In summary, the available evidence is currently insufficient to determine the role of this variant in disease. Therefore, it has been classified as a Variant of Uncertain Significance.